The following is an entry in ClinVar:

NM_001211.6(BUB1B):c.471A>C (p.Ser157=)

Gene: BUB1B (BUB1 mitotic checkpoint serine/threonine kinase B; plus strand). Cytogenetic location: 15q15.1.
Variant type: single nucleotide variant.
Coding change: c.471A>C on transcript NM_001211.6 (MANE Select); coding-DNA position 471, A replaced by C.
Protein change: p.Ser157=; no amino-acid change (serine 157 retained).
Molecular consequence: synonymous variant.
Genome position (GRCh38, 1-based): chr15:40,176,563, A>C. VCF-style: chr15-40176563-A-C. GRCh37 (hg19) VCF-style: chr15-40468764-A-C.
Identifiers: ClinVar variation 1742634 (VCV001742634.19), dbSNP rs2037225977, ClinGen allele CA489706231.

ClinVar aggregate classification (germline): Likely benign. Review status: criteria provided, multiple submitters, no conflicts (2 of 4 stars). 2 submissions from 2 submitters: Likely benign (2). Last evaluated 2026-03-01.

Conditions:
Inborn genetic diseases. Identifiers: MedGen C0950123, MeSH D030342.

Submissions (2):

CeGaT Center for Human Genetics Tuebingen
Classification: Likely benign. Last evaluated: 2026-03-01. Review status: criteria provided, single submitter. Criteria: CeGaT Center For Human Genetics Tuebingen Variant Classification Criteria Version 2. Collection method: clinical testing. Allele origin: germline. Affected: yes. Observed: 3 variant alleles.
Comment: BUB1B: BP4, BP7

Ambry Genetics
Classification: Likely benign for Inborn genetic diseases. Last evaluated: 2021-04-21. Review status: criteria provided, single submitter. Criteria: Ambry Variant Classification Scheme 2023. Collection method: clinical testing. Allele origin: germline.